The following is an entry in ClinVar:

NM_001005361.3(DNM2):c.2041C>A (p.His681Asn)

Gene: DNM2 (dynamin 2; plus strand). Cytogenetic location: 19p13.2.
Variant type: single nucleotide variant.
Coding change: c.2041C>A on transcript NM_001005361.3 (MANE Select); coding-DNA position 2041, C replaced by A.
Protein change: p.His681Asn; replaces histidine 681 with asparagine.
Molecular consequence: missense variant.
Genome position (GRCh38, 1-based): chr19:10,825,204, C>A. VCF-style: chr19-10825204-C-A. GRCh37 (hg19) VCF-style: chr19-10935880-C-A.
Other names: c.2041C>A, p.His681Asn (NM_001005360.3, NM_001190716.2); c.2029C>A, p.His677Asn (NM_001005362.3, NM_004945.4); short protein forms H681N, H677N.
Identifiers: ClinVar variation 577172 (VCV000577172.8), dbSNP rs1437296623, ClinGen allele CA404041741.

ClinVar aggregate classification (germline): Uncertain significance (1 of 4 stars; one submission).

Conditions:
Charcot-Marie-Tooth disease dominant intermediate B (CMTDIB). Also called: CHARCOT-MARIE-TOOTH NEUROPATHY, DOMINANT INTERMEDIATE B; Charcot-Marie-Tooth disease dominant intermediate 1; CMT DI1; Charcot-Marie-Tooth disease dominant intermediate I. Identifiers: Orphanet 100044, Orphanet 228179, MedGen C1847902, MONDO:0011674, OMIM 606482.

gnomAD v4.1: 1 of 1,614,148 alleles (0.000062%); highest among the groups gnomAD compares: Non-Finnish European, 0.000085%; no homozygotes.

Submission:

Labcorp Genetics (formerly Invitae), Labcorp
Classification: Uncertain significance for Charcot-Marie-Tooth disease dominant intermediate B. Last evaluated: 2018-03-13. Review status: criteria provided, single submitter. Criteria: Invitae Variant Classification Sherloc (09022015). Collection method: clinical testing. Allele origin: germline.
Comment: This sequence change replaces histidine with asparagine at codon 681 of the DNM2 protein (p.His681Asn). The histidine residue is highly conserved and there is a small physicochemical difference between histidine and asparagine. This variant is not present in population databases (ExAC no frequency). In summary, the available evidence is currently insufficient to determine the role of this variant in disease. Therefore, it has been classified as a Variant of Uncertain Significance. Algorithms developed to predict the effect of missense changes on protein structure and function do not agree on the potential impact of this missense change (SIFT: "Deleterious"; PolyPhen-2: "Possibly Damaging"; Align-GVGD: "Class C0"). This variant has not been reported in the literature in individuals with DNM2-related disease.